The following is an entry in ClinVar:

NM_006432.5(NPC2):c.*271C>T

Genes: SYNDIG1L (synapse differentiation inducing 1 like; minus strand), NPC2 (NPC intracellular cholesterol transporter 2; minus strand). Cytogenetic location: 14q24.3.
Variant type: single nucleotide variant.
Coding change: c.*271C>T on transcript NM_006432.5 (MANE Select); 271 bases downstream of the stop codon, C replaced by T.
Molecular consequence: 3 prime UTR variant.
Genome position (GRCh38, 1-based): chr14:74,480,003, G>A on the plus strand (C>T on the coding strand, the complement: NPC2 is on the minus strand). VCF-style: chr14-74480003-G-A. GRCh37 (hg19) VCF-style: chr14-74946706-G-A.
Other names: c.*615C>T (NM_001363688.1); c.*271C>T (NM_001375440.1).
Identifiers: ClinVar variation 314236 (VCV000314236.9), dbSNP rs75936194, ClinGen allele CA10646032.

ClinVar aggregate classification (germline): Benign/Likely benign. Review status: criteria provided, multiple submitters, no conflicts (2 of 4 stars). 3 submissions from 3 submitters: Benign (1); Likely benign (2). Last evaluated 2018-07-15.

Conditions:
Niemann-Pick disease, type C1. Also called: NEUROVISCERAL STORAGE DISEASE WITH VERTICAL SUPRANUCLEAR OPHTHALMOPLEGIA; NIEMANN-PICK DISEASE WITH CHOLESTEROL ESTERIFICATION BLOCK; NIEMANN-PICK DISEASE WITHOUT SPHINGOMYELINASE DEFICIENCY; NIEMANN-PICK DISEASE, CHRONIC NEURONOPATHIC FORM; NIEMANN-PICK DISEASE, VARIANT TYPE C1. Identifiers: Orphanet 646, MedGen C3179455, MONDO:0009757, OMIM 257220.

Allele frequency attached by ClinVar (database versions not stated): gnomAD exomes 0.00128; gnomAD 0.00521 and 0.00537; TOPMed 0.00628; 1000 Genomes Project 0.00699; 1000 Genomes Project 30x 0.00812.
gnomAD v4.1: 2,475 of 1,421,790 alleles (0.17%); highest among the groups gnomAD compares: Admixed American, 3.3%; 44 homozygotes.

Submissions (3):

GeneDx
Classification: Likely benign. Last evaluated: 2018-07-15. Review status: criteria provided, single submitter. Criteria: GeneDx Variant Classification Process June 2021. Collection method: clinical testing. Allele origin: germline. Affected: yes.

Illumina Laboratory Services, Illumina
Classification: Benign for Niemann-Pick disease type C1. Last evaluated: 2018-01-12. Review status: criteria provided, single submitter. Criteria: ICSL Variant Classification Criteria 13 December 2019. Collection method: clinical testing. Allele origin: germline.
Comment: This variant was observed in the ICSL laboratory as part of a predisposition screen in an ostensibly healthy population. It had not been previously curated by ICSL or reported in the Human Gene Mutation Database (HGMD: prior to June 1st, 2018), and was therefore a candidate for classification through an automated scoring system. Utilizing variant allele frequency, disease prevalence and penetrance estimates, and inheritance mode, an automated score was calculated to assess if this variant is too frequent to cause the disease. Based on the score and internal cut-off values, a variant classified as benign is not then subjected to further curation. The score for this variant resulted in a classification of benign for this disease.

Breakthrough Genomics
Classification: Likely benign. Review status: criteria provided, single submitter. Criteria: ACMG Guidelines, 2015. Collection method: not provided. Allele origin: germline. Inheritance: Autosomal recessive inheritance. Affected: yes.